The following is an entry in ClinVar:

ClinVar aggregate classification (germline): Uncertain significance. Review status: criteria provided, multiple submitters, no conflicts (2 of 4 stars). 5 submissions from 5 submitters: Uncertain significance (4). 1 of the submissions does not count toward it. Last evaluated 2025-06-29.

Conditions:
Hereditary cancer-predisposing syndrome. Also called: Tumor predisposition; Hereditary Cancer Syndrome; Hereditary neoplastic syndrome; Neoplastic Syndromes, Hereditary. Identifiers: Orphanet 140162, MedGen C0027672, MeSH D009386, MONDO:0015356.
Fanconi anemia (FA). Also called: Fanconi's anemia. Identifiers: Orphanet 84, MedGen C0015625, MeSH D005199, MONDO:0019391.
Fanconi anemia complementation group C (FANCC). Also called: Fanconi anemia, group C; FANCC-Related Fanconi Anemia; FANCONI PANCYTOPENIA, TYPE 3; FACC. Identifiers: Orphanet 84, MedGen C3468041, MONDO:0009213, OMIM 227645.

Allele frequency attached by ClinVar (database versions not stated): gnomAD exomes 0.00001; ExAC 0.00002; TOPMed 0.00005; ESP Exome Variant Server 0.00008; 1000 Genomes Project 30x 0.00016; 1000 Genomes Project 0.00020.
gnomAD v4.1: 21 of 1,614,124 alleles (0.0013%); highest among the groups gnomAD compares: African/African-American, 0.023%; no homozygotes.

Submissions (5):

Ambry Genetics
Classification: Uncertain significance for Hereditary cancer-predisposing syndrome. Last evaluated: 2025-06-29. Review status: criteria provided, single submitter. Criteria: Ambry Variant Classification Scheme 2023. Collection method: clinical testing. Allele origin: germline.
Comment: The p.C35S variant (also known as c.104G>C), located in coding exon 1 of the FANCC gene, results from a G to C substitution at nucleotide position 104. The cysteine at codon 35 is replaced by serine, an amino acid with dissimilar properties. This amino acid position is highly conserved in available vertebrate species. In addition, the in silico prediction for this alteration is inconclusive. Since supporting evidence is limited at this time, the clinical significance of this alteration remains unclear.

Labcorp Genetics (formerly Invitae), Labcorp
Classification: Uncertain significance for Fanconi anemia. Last evaluated: 2024-06-23. Review status: criteria provided, single submitter. Criteria: Invitae Variant Classification Sherloc (09022015). Collection method: clinical testing. Allele origin: germline.
Comment: This sequence change replaces cysteine, which is neutral and slightly polar, with serine, which is neutral and polar, at codon 35 of the FANCC protein (p.Cys35Ser). This variant is present in population databases (rs143212932, gnomAD 0.02%). This variant has not been reported in the literature in individuals affected with FANCC-related conditions. ClinVar contains an entry for this variant (Variation ID: 485553). Advanced modeling of protein sequence and biophysical properties (such as structural, functional, and spatial information, amino acid conservation, physicochemical variation, residue mobility, and thermodynamic stability) has been performed at Invitae for this missense variant, however the output from this modeling did not meet the statistical confidence thresholds required to predict the impact of this variant on FANCC protein function. In summary, the available evidence is currently insufficient to determine the role of this variant in disease. Therefore, it has been classified as a Variant of Uncertain Significance.

Fulgent Genetics
Classification: Uncertain significance for Fanconi anemia complementation group C. Last evaluated: 2024-04-16. Review status: criteria provided, single submitter. Criteria: ACMG Guidelines, 2015. Collection method: clinical testing. Allele origin: germline.

GeneDx
Classification: Uncertain significance. Last evaluated: 2024-03-12. Review status: criteria provided, single submitter. Criteria: GeneDx Variant Classification Process June 2021. Collection method: clinical testing. Allele origin: germline. Affected: yes.
Comment: Not observed at significant frequency in large population cohorts (gnomAD); In silico analysis supports that this missense variant has a deleterious effect on protein structure/function; Has not been previously published as pathogenic or benign to our knowledge; This variant is associated with the following publications: (PMID: Gordon2000[Book])

Natera, Inc.
Classification: Uncertain significance for Fanconi anemia. Last evaluated: 2018-01-29. Review status: no assertion criteria provided. Collection method: clinical testing. Allele origin: germline. Not counted in ClinVar's aggregate classification.

NM_000136.3(FANCC):c.104G>C (p.Cys35Ser)

Gene: FANCC (FA complementation group C; minus strand). Cytogenetic location: 9q22.32.
Variant type: single nucleotide variant.
Coding change: c.104G>C on transcript NM_000136.3 (MANE Select); coding-DNA position 104, G replaced by C.
Protein change: p.Cys35Ser; replaces cysteine 35 with serine.
Molecular consequence: missense variant.
Genome position (GRCh38, 1-based): chr9:95,249,188, C>G on the plus strand (G>C on the coding strand, the complement: FANCC is on the minus strand). VCF-style: chr9-95249188-C-G. GRCh37 (hg19) VCF-style: chr9-98011470-C-G.
Other names: c.104G>C, p.Cys35Ser (NM_001243743.2, NM_001243744.2); short protein forms C35S.
Identifiers: ClinVar variation 485553 (VCV000485553.23), dbSNP rs143212932, ClinGen allele CA5137836.